The following is an entry in ClinVar:

ClinVar aggregate classification (germline): Uncertain significance (1 of 4 stars; one submission).

Conditions:
Facioscapulohumeral muscular dystrophy 2 (FSHD2). Also called: MUSCULAR DYSTROPHY, FACIOSCAPULOHUMERAL, TYPE 1B; FACIOSCAPULOHUMERAL MUSCULAR DYSTROPHY 2, DIGENIC; FSHD2, DIGENIC. Identifiers: Orphanet 269, MedGen C1834671, MONDO:0008031, OMIM 158901.

gnomAD v4.1: 2 of 1,595,164 alleles (0.00013%); highest among the groups gnomAD compares: Non-Finnish European, 0.00017%; no homozygotes.

Submission:

Labcorp Genetics (formerly Invitae), Labcorp
Classification: Uncertain significance for Facioscapulohumeral muscular dystrophy 2. Last evaluated: 2022-11-08. Review status: criteria provided, single submitter. Criteria: Invitae Variant Classification Sherloc (09022015). Collection method: clinical testing. Allele origin: germline.
Comment: In summary, the available evidence is currently insufficient to determine the role of this variant in disease. Therefore, it has been classified as a Variant of Uncertain Significance. Advanced modeling of protein sequence and biophysical properties (such as structural, functional, and spatial information, amino acid conservation, physicochemical variation, residue mobility, and thermodynamic stability) has been performed at Invitae for this missense variant, however the output from this modeling did not meet the statistical confidence thresholds required to predict the impact of this variant on SMCHD1 protein function. This variant has not been reported in the literature in individuals affected with SMCHD1-related conditions. This variant is present in population databases (no rsID available, gnomAD 0.007%). This sequence change replaces serine, which is neutral and polar, with arginine, which is basic and polar, at codon 1476 of the SMCHD1 protein (p.Ser1476Arg).

NM_015295.3(SMCHD1):c.4428T>A (p.Ser1476Arg)

Gene: SMCHD1 (structural maintenance of chromosomes flexible hinge domain containing 1; plus strand). Cytogenetic location: 18p11.32.
Variant type: single nucleotide variant.
Coding change: c.4428T>A on transcript NM_015295.3 (MANE Select); coding-DNA position 4428, T replaced by A.
Protein change: p.Ser1476Arg; replaces serine 1476 with arginine.
Molecular consequence: missense variant.
Genome position (GRCh38, 1-based): chr18:2,760,733, T>A. VCF-style: chr18-2760733-T-A. GRCh37 (hg19) VCF-style: chr18-2760731-T-A.
Other names: short protein forms S1476R.
Identifiers: ClinVar variation 2084115 (VCV002084115.4), dbSNP rs1453830480, ClinGen allele CA401694752.